The following is an entry in ClinVar:

NM_001184880.2(PCDH19):c.534C>G (p.Ile178Met)

Gene: PCDH19 (protocadherin 19; minus strand). Cytogenetic location: Xq22.1.
Variant type: single nucleotide variant.
Coding change: c.534C>G on transcript NM_001184880.2 (MANE Select); coding-DNA position 534, C replaced by G.
Protein change: p.Ile178Met; replaces isoleucine 178 with methionine.
Molecular consequence: missense variant.
Genome position (GRCh38, 1-based): chrX:100,408,064, G>C on the plus strand (C>G on the coding strand, the complement: PCDH19 is on the minus strand). VCF-style: chrX-100408064-G-C. GRCh37 (hg19) VCF-style: chrX-99663062-G-C.
Other names: c.534C>G, p.Ile178Met (NM_001105243.2, NM_020766.3); short protein forms I178M.
Identifiers: ClinVar variation 1715226 (VCV001715226.6), dbSNP rs781776414, ClinGen allele CA414009394.

ClinVar aggregate classification (germline): Uncertain significance (1 of 4 stars; one submission).

Conditions:
Developmental and epileptic encephalopathy, 9 (DEE9). Also called: Early infantile epileptic encephalopathy 9; EPILEPSY, FEMALE-RESTRICTED, WITH MENTAL RETARDATION; JUBERG-HELLMAN SYNDROME; PCDH19-Related X-Linked Female-Limited Epilepsy with Mental Retardation. Identifiers: Orphanet 101039, Orphanet 2076, MedGen C1848137, MONDO:0010246, OMIM 300088. Disease mechanism: loss of function.

Submission:

Labcorp Genetics (formerly Invitae), Labcorp
Classification: Uncertain significance for Developmental and epileptic encephalopathy, 9. Last evaluated: 2022-08-05. Review status: criteria provided, single submitter. Criteria: Invitae Variant Classification Sherloc (09022015). Collection method: clinical testing. Allele origin: germline.
Comment: This variant is not present in population databases (gnomAD no frequency). In summary, the available evidence is currently insufficient to determine the role of this variant in disease. Therefore, it has been classified as a Variant of Uncertain Significance. Advanced modeling of protein sequence and biophysical properties (such as structural, functional, and spatial information, amino acid conservation, physicochemical variation, residue mobility, and thermodynamic stability) performed at Invitae indicates that this missense variant is not expected to disrupt PCDH19 protein function. This variant has not been reported in the literature in individuals affected with PCDH19-related conditions. This sequence change replaces isoleucine, which is neutral and non-polar, with methionine, which is neutral and non-polar, at codon 178 of the PCDH19 protein (p.Ile178Met).